The following is an entry in ClinVar:

NM_018368.4(LMBRD1):c.980+3A>G

Gene: LMBRD1 (LMBR1 domain containing 1; minus strand). Cytogenetic location: 6q13.
Variant type: single nucleotide variant.
Coding change: c.980+3A>G on transcript NM_018368.4 (MANE Select); 3 bases into the intron after coding-DNA position 980, A replaced by G.
Molecular consequence: intron variant.
Genome position (GRCh38, 1-based): chr6:69,701,886, T>C on the plus strand (A>G on the coding strand, the complement: LMBRD1 is on the minus strand). VCF-style: chr6-69701886-T-C. GRCh37 (hg19) VCF-style: chr6-70411778-T-C.
Other names: c.761+3A>G (NM_001367272.1, NM_001367271.1, NM_001363722.2).
Identifiers: ClinVar variation 2106877 (VCV002106877.4), dbSNP rs759976170, ClinGen allele CA3879728.

ClinVar aggregate classification (germline): Uncertain significance (1 of 4 stars; one submission).

Conditions:
Methylmalonic aciduria and homocystinuria type cblF. Also called: METHYLMALONIC ACIDEMIA AND HOMOCYSTINURIA, cblF TYPE; METHYLMALONIC ACIDURIA DUE TO VITAMIN B12-RELEASE DEFECT; VITAMIN B12 LYSOSOMAL RELEASE DEFECT; VITAMIN B12 STORAGE DISEASE; COBALAMIN F DISEASE; COBALAMIN, DEFECT IN LYSOSOMAL RELEASE OF. Identifiers: Orphanet 79284, MedGen C1848578, MONDO:0010183, OMIM 277380.

Allele frequency attached by ClinVar (database versions not stated): gnomAD exomes below 0.00001; ExAC 0.00001; gnomAD 0.00001; 1000 Genomes Project 30x 0.00016.
gnomAD v4.1: 6 of 1,580,432 alleles (0.00038%); highest among the groups gnomAD compares: Middle Eastern, 0.017%; no homozygotes.

Submission:

Labcorp Genetics (formerly Invitae), Labcorp
Classification: Uncertain significance for Methylmalonic aciduria and homocystinuria type cblF. Last evaluated: 2023-03-26. Review status: criteria provided, single submitter. Criteria: Invitae Variant Classification Sherloc (09022015). Collection method: clinical testing. Allele origin: germline.
Comment: This sequence change falls in intron 10 of the LMBRD1 gene. It does not directly change the encoded amino acid sequence of the LMBRD1 protein. It affects a nucleotide within the consensus splice site. This variant is not present in population databases (gnomAD no frequency). This variant has not been reported in the literature in individuals affected with LMBRD1-related conditions. ClinVar contains an entry for this variant (Variation ID: 2106877). Variants that disrupt the consensus splice site are a relatively common cause of aberrant splicing (PMID: 17576681, 9536098). Algorithms developed to predict the effect of sequence changes on RNA splicing suggest that this variant is not likely to affect RNA splicing. In summary, the available evidence is currently insufficient to determine the role of this variant in disease. Therefore, it has been classified as a Variant of Uncertain Significance.

Literature cited by the submitters: PubMed 17576681; PubMed 9536098.